The following is an entry in ClinVar:

ClinVar aggregate classification (germline): Conflicting classifications of pathogenicity. Review status: criteria provided, conflicting classifications (1 of 4 stars). 5 submissions from 5 submitters: Uncertain significance (3); Likely benign (2). Last evaluated 2026-02-04.

Conditions:
Cardiovascular phenotype. Identifiers: MedGen CN230736.
Arrhythmogenic right ventricular cardiomyopathy (ARVD). Also called: Arrhythmogenic cardiomyopathy; Arrhythmogenic Right Ventricular Cardiomyopathy (ARVC); Cardiomyopathy, ARVC; Arrhythmogenic right ventricular dysplasia. Identifiers: Orphanet 247, MedGen C0349788, MeSH D019571, MONDO:0016587. Disease mechanism: loss of function. Inheritance: Various modes of inheritance.
Cardiomyopathy (CMYO). Also called: Cardiomyopathies. Identifiers: Orphanet 167848, MedGen C0878544, MONDO:0004994, HP:0001638. Inheritance: Various modes of inheritance.
Arrhythmogenic right ventricular dysplasia 10. Also called: ARRHYTHMOGENIC RIGHT VENTRICULAR DYSPLASIA, FAMILIAL, 10; Arrhythmogenic Right Ventricular Dysplasia/Cardiomyopathy10; Arrhythmogenic right ventricular dysplasia/cardiomyopathy, type 10. Identifiers: MedGen C1857777, MONDO:0012434, OMIM 610193.

Allele frequency attached by ClinVar (database versions not stated): ExAC 0.00001; gnomAD exomes 0.00001 and 0.00004; gnomAD 0.00003; TOPMed 0.00006.
gnomAD v4.1: 22 of 1,614,072 alleles (0.0014%); highest among the groups gnomAD compares: Admixed American, 0.035%; no homozygotes.

Submissions (5):

Labcorp Genetics (formerly Invitae), Labcorp
Classification: Uncertain significance for Arrhythmogenic right ventricular dysplasia 10. Last evaluated: 2026-02-04. Review status: criteria provided, single submitter. Criteria: Invitae Variant Classification Sherloc (09022015). Collection method: clinical testing. Allele origin: germline.
Comment: This sequence change replaces histidine, which is basic and polar, with arginine, which is basic and polar, at codon 721 of the DSG2 protein (p.His721Arg). This variant is present in population databases (rs756912703, gnomAD 0.03%). This variant has not been reported in the literature in individuals affected with DSG2-related conditions. ClinVar contains an entry for this variant (Variation ID: 326483). Invitae Evidence Modeling of protein sequence and biophysical properties (such as structural, functional, and spatial information, amino acid conservation, physicochemical variation, residue mobility, and thermodynamic stability) indicates that this missense variant is not expected to disrupt DSG2 protein function with a negative predictive value of 95%. In summary, the available evidence is currently insufficient to determine the role of this variant in disease. Therefore, it has been classified as a Variant of Uncertain Significance.

Color Diagnostics, LLC DBA Color Health
Classification: Likely benign for Cardiomyopathy. Last evaluated: 2024-05-06. Review status: criteria provided, single submitter. Criteria: ACMG Guidelines, 2015. Collection method: clinical testing. Allele origin: germline.

All of Us Research Program, National Institutes of Health
Classification: Uncertain significance for Arrhythmogenic right ventricular cardiomyopathy. Last evaluated: 2023-08-15. Review status: criteria provided, single submitter. Criteria: ACMG Guidelines, 2015. Collection method: clinical testing. Allele origin: germline. Inheritance: Autosomal dominant inheritance. Observed: 3 variant alleles, 3 heterozygotes.
Comment: This missense variant replaces histidine with arginine at codon 721 of the DSG2 protein. Computational prediction suggests that this variant may not impact protein structure and function (internally defined REVEL score threshold <= 0.5, PMID: 27666373). To our knowledge, functional studies have not been reported for this variant. This variant has not been reported in individuals affected with cardiovascular disorders in the literature. This variant has been identified in 9/249448 chromosomes in the general population by the Genome Aggregation Database (gnomAD). The available evidence is insufficient to determine the role of this variant in disease conclusively. Therefore, this variant is classified as a Variant of Uncertain Significance.

This study involves interpretation of variants in research participants for the purpose of population health screening. Participant phenotype was not available at the time of variant classification. Additional details can be found in publication PMID: 35346344, PMCID: PMC8962531

Ambry Genetics
Classification: Likely benign for Cardiovascular phenotype. Last evaluated: 2023-03-19. Review status: criteria provided, single submitter. Criteria: Ambry Variant Classification Scheme 2023. Collection method: clinical testing. Allele origin: germline.

Revvity Omics, Revvity
Classification: Uncertain significance. Last evaluated: 2022-05-27. Review status: criteria provided, single submitter. Criteria: ACMG Guidelines, 2015. Collection method: clinical testing. Allele origin: germline.

NM_001943.5(DSG2):c.2162A>G (p.His721Arg)

Genes: DSG2 (desmoglein 2; plus strand), DSG2-AS1 (DSG2 antisense RNA 1; minus strand). Cytogenetic location: 18q12.1.
Variant type: single nucleotide variant.
Coding change: c.2162A>G on transcript NM_001943.5 (MANE Select); coding-DNA position 2162, A replaced by G.
Protein change: p.His721Arg; replaces histidine 721 with arginine.
Molecular consequence: missense variant.
Genome position (GRCh38, 1-based): chr18:31,542,680, A>G. VCF-style: chr18-31542680-A-G. GRCh37 (hg19) VCF-style: chr18-29122643-A-G.
Other names: c.2162A>G (LRG_397t1); short protein forms H721R.
Identifiers: ClinVar variation 326483 (VCV000326483.24), dbSNP rs756912703, ClinGen allele CA045031.